The following is an entry in ClinVar:

NM_001367624.2(ZNF469):c.404A>G (p.Glu135Gly)

Gene: ZNF469 (zinc finger protein 469; plus strand). Cytogenetic location: 16q24.2.
Variant type: single nucleotide variant.
Coding change: c.404A>G on transcript NM_001367624.2 (MANE Select); coding-DNA position 404, A replaced by G.
Protein change: p.Glu135Gly; replaces glutamic acid 135 with glycine.
Molecular consequence: missense variant.
Genome position (GRCh38, 1-based): chr16:88,427,874, A>G. VCF-style: chr16-88427874-A-G. GRCh37 (hg19) VCF-style: chr16-88494282-A-G.
Other names: NM_001127464.1:c.404A>G; short protein forms E135G.
Identifiers: ClinVar variation 1737339 (VCV001737339.3), dbSNP rs1269664446, ClinGen allele CA397059598.

ClinVar aggregate classification (germline): Uncertain significance. Review status: criteria provided, multiple submitters, no conflicts (2 of 4 stars). 2 submissions from 2 submitters: Uncertain significance (2). Last evaluated 2023-08-10.

Conditions:
Cardiovascular phenotype. Identifiers: MedGen CN230736.

Allele frequency attached by ClinVar (database versions not stated): gnomAD exomes 0.00001; TOPMed 0.00001.
gnomAD v4.1: 9 of 1,549,636 alleles (0.00058%); highest among the groups gnomAD compares: Non-Finnish European, 0.0007%; no homozygotes.

Submissions (2):

Labcorp Genetics (formerly Invitae), Labcorp
Classification: Uncertain significance. Last evaluated: 2023-08-10. Review status: criteria provided, single submitter. Criteria: Invitae Variant Classification Sherloc (09022015). Collection method: clinical testing. Allele origin: germline.
Comment: An algorithm developed to predict the effect of missense changes on protein structure and function (PolyPhen-2) suggests that this variant¬†is likely to be tolerated. In summary, the available evidence is currently insufficient to determine the role of this variant in disease. Therefore, it has been classified as a Variant of Uncertain Significance. ClinVar contains an entry for this variant (Variation ID: 1737339). This variant has not been reported in the literature in individuals affected with ZNF469-related conditions. This variant is present in population databases (no rsID available, gnomAD 0.004%). This sequence change replaces glutamic acid, which is acidic and polar, with glycine, which is neutral and non-polar, at codon 135 of the ZNF469 protein (p.Glu135Gly).

Ambry Genetics
Classification: Uncertain significance for Cardiovascular phenotype. Last evaluated: 2021-12-03. Review status: criteria provided, single submitter. Criteria: Ambry Variant Classification Scheme 2023. Collection method: clinical testing. Allele origin: germline.
Comment: The p.E135G variant (also known as c.404A>G), located in coding exon 1 of the ZNF469 gene, results from an A to G substitution at nucleotide position 404. The glutamic acid at codon 135 is replaced by glycine, an amino acid with similar properties. This amino acid position is conserved. In addition, this alteration is predicted to be tolerated by in silico analysis. Since supporting evidence is limited at this time, the clinical significance of this alteration remains unclear.